The following is an entry in ClinVar:

NM_017654.4(SAMD9):c.883_893del (p.Pro295fs)

Gene: SAMD9 (sterile alpha motif domain containing 9; minus strand). Cytogenetic location: 7q21.2.
Variant type: Deletion.
Coding change: c.883_893del on transcript NM_017654.4 (MANE Select); coding-DNA positions 883 to 893, 11 bases deleted (CCAAATAGTAC).
Protein change: p.Pro295fs; shifts the reading frame from proline 295.
Molecular consequence: frameshift variant.
Genome position (GRCh38, 1-based): chr7:93,105,205-93,105,215, GTACTATTTGG deleted on the plus strand (CCAAATAGTAC on the coding strand, the reverse complement: SAMD9 is on the minus strand). VCF-style (leftmost placement, unchanged base first): chr7-93105204-AGTACTATTTGG-A. GRCh37 (hg19) VCF-style: chr7-92734517-AGTACTATTTGG-A.
Other names: c.883_893del, p.Pro295fs (NM_001193307.2); c.883_893del (NM_017654.3); short protein forms P295fs.
Identifiers: ClinVar variation 2024657 (VCV002024657.5), dbSNP rs2535361700, ClinGen allele CA2580077856.
Genomic context (GRCh38, chr7:93,105,204, plus strand): 5'-ATATTGGCATTCAGAGAACTGTGGAATAATGTCCACTTCAATAACAAATCTGTCAGATAG[AGTACTATTTGG>A]CAGTAAAACTTCCACAAATCTTGGCTCTCGAATGCACTTCTTTGCTTGTTGGACTTGATG-3'

ClinVar aggregate classification (germline): Uncertain significance. Review status: criteria provided, multiple submitters, no conflicts (2 of 4 stars). 2 submissions from 2 submitters: Uncertain significance (2). Last evaluated 2026-03-25.

Allele frequency attached by ClinVar (database versions not stated): gnomAD exomes below 0.00001.

Submissions (2):

GeneDx
Classification: Uncertain significance. Last evaluated: 2026-03-25. Review status: criteria provided, single submitter. Criteria: GeneDx Variant Classification Process June 2021. Collection method: clinical testing. Allele origin: germline.
Comment: Not observed at significant frequency in large population cohorts (gnomAD); Frameshift variant predicted to result in abnormal protein length as the last 1295 amino acid(s) are replaced with 2 different amino acid(s) with an unclear effect on protein function; Has not been previously published as pathogenic or benign to our knowledge

Labcorp Genetics (formerly Invitae), Labcorp
Classification: Uncertain significance. Last evaluated: 2022-11-07. Review status: criteria provided, single submitter. Criteria: Invitae Variant Classification Sherloc (09022015). Collection method: clinical testing. Allele origin: germline.
Comment: In summary, the available evidence is currently insufficient to determine the role of this variant in disease. Therefore, it has been classified as a Variant of Uncertain Significance. Experimental studies and prediction algorithms are not available or were not evaluated, and the functional significance of this variant is currently unknown. This variant has not been reported in the literature in individuals affected with SAMD9-related conditions. This variant is not present in population databases (gnomAD no frequency). This sequence change creates a premature translational stop signal (p.Pro295Serfs*3) in the SAMD9 gene. While this is not anticipated to result in nonsense mediated decay, it is expected to disrupt the last 1295 amino acid(s) of the SAMD9 protein.